The following is an entry in ClinVar:

NM_003482.4(KMT2D):c.14933G>A (p.Arg4978His)

Gene: KMT2D (lysine methyltransferase 2D; minus strand). Cytogenetic location: 12q13.12.
Variant type: single nucleotide variant.
Coding change: c.14933G>A on transcript NM_003482.4 (MANE Select); coding-DNA position 14933, G replaced by A.
Protein change: p.Arg4978His; replaces arginine 4978 with histidine.
Molecular consequence: missense variant.
Genome position (GRCh38, 1-based): chr12:49,027,033, C>T on the plus strand (G>A on the coding strand, the complement: KMT2D is on the minus strand). VCF-style: chr12-49027033-C-T. GRCh37 (hg19) VCF-style: chr12-49420816-C-T.
Other names: short protein forms R4978H.
Identifiers: ClinVar variation 2046097 (VCV002046097.5), dbSNP rs977670269, ClinGen allele CA236633996.
Genomic context (GRCh38, chr12:49,027,033, plus strand): 5'-TTCTGGATGGTCAGCAGCAGCCGAAGCCGCTTCCAGCGCACTCCTTTCCATTTCTTGAGG[C>T]GAGGAGGACGGGAATCTTCACCTTCTTCAGGGGGCCGGGCACGGGGCTTGGGTCGGGCTG-3'
Protein context (NP_003473.3, residues 4968-4988): PEEGEDSRPP[Arg4978His]LKKWKGVRWK

ClinVar aggregate classification (germline): Uncertain significance. Review status: criteria provided, multiple submitters, no conflicts (2 of 4 stars). 3 submissions from 3 submitters: Uncertain significance (3). Last evaluated 2026-06-05.

Conditions:
Kabuki syndrome. Also called: Kabuki make-up syndrome; NIIKAWA-KUROKI SYNDROME. Identifiers: Orphanet 2322, MedGen C0796004, MONDO:0016512.
Kabuki syndrome 1 (KABUK1). Also called: KMT2D-Related Kabuki Syndrome. Identifiers: Orphanet 2322, MedGen CN030661, MONDO:0007843, OMIM 147920.
Choanal atresia-athelia-hypothyroidism-delayed puberty-short stature syndrome (BCAHH). Also called: BRANCHIAL ARCH ABNORMALITIES, CHOANAL ATRESIA, ATHELIA, HEARING LOSS, AND HYPOTHYROIDISM SYNDROME. Identifiers: Orphanet 589856, MedGen C5680310, MONDO:0035651, OMIM 620186.
KMT2D-related disorder. Also called: KMT2D-Related Disorders.

Allele frequency attached by ClinVar (database versions not stated): gnomAD exomes below 0.00001; gnomAD 0.00002; TOPMed 0.00002.
gnomAD v4.1: 9 of 1,613,820 alleles (0.00056%); highest among the groups gnomAD compares: African/African-American, 0.0027%; no homozygotes.

Submissions (3):

PreventionGenetics, part of Exact Sciences
Classification: Uncertain significance for KMT2D-related condition. Last evaluated: 2026-06-05. Review status: criteria provided, single submitter. Criteria: ACMG Guidelines, 2015. Collection method: clinical testing. Allele origin: germline.
Comment: The KMT2D c.14933G>A variant is predicted to result in the amino acid substitution p.Arg4978His. To our knowledge, this variant has not been reported in the literature or in a large population database (gnomAD), indicating this variant is rare. At this time, the clinical significance of this variant is uncertain due to the absence of conclusive functional and genetic evidence.

Fulgent Genetics
Classification: Uncertain significance for Kabuki syndrome 1; Choanal atresia-athelia-hypothyroidism-delayed puberty-short stature syndrome. Last evaluated: 2024-05-28. Review status: criteria provided, single submitter. Criteria: ACMG Guidelines, 2015. Collection method: clinical testing. Allele origin: germline.

Labcorp Genetics (formerly Invitae), Labcorp
Classification: Uncertain significance for Kabuki syndrome. Last evaluated: 2023-08-04. Review status: criteria provided, single submitter. Criteria: Invitae Variant Classification Sherloc (09022015). Collection method: clinical testing. Allele origin: germline.
Comment: This variant has not been reported in the literature in individuals affected with KMT2D-related conditions. This sequence change replaces arginine, which is basic and polar, with histidine, which is basic and polar, at codon 4978 of the KMT2D protein (p.Arg4978His). This variant is not present in population databases (gnomAD no frequency). ClinVar contains an entry for this variant (Variation ID: 2046097). Advanced modeling of protein sequence and biophysical properties (such as structural, functional, and spatial information, amino acid conservation, physicochemical variation, residue mobility, and thermodynamic stability) performed at Invitae indicates that this missense variant is not expected to disrupt KMT2D protein function. In summary, the available evidence is currently insufficient to determine the role of this variant in disease. Therefore, it has been classified as a Variant of Uncertain Significance.